The following is an entry in ClinVar:

NM_004279.3(PMPCB):c.1462C>T (p.Arg488Cys)

Gene: PMPCB (peptidase, mitochondrial processing subunit beta; plus strand). Cytogenetic location: 7q22.1.
Variant type: single nucleotide variant.
Coding change: c.1462C>T on transcript NM_004279.3 (MANE Select); coding-DNA position 1462, C replaced by T.
Protein change: p.Arg488Cys; replaces arginine 488 with cysteine.
Molecular consequence: missense variant.
Genome position (GRCh38, 1-based): chr7:103,312,263, C>T. VCF-style: chr7-103312263-C-T. GRCh37 (hg19) VCF-style: chr7-102952710-C-T.
Other names: c.1462C>T (NM_004279.2); short protein forms R488C.
Identifiers: ClinVar variation 1342345 (VCV001342345.9), dbSNP rs151236121, ClinGen allele CA4418310.

ClinVar aggregate classification (germline): Conflicting classifications of pathogenicity. Review status: criteria provided, conflicting classifications (1 of 4 stars). 4 submissions from 4 submitters: Uncertain significance (1); Likely benign (2). 1 of the submissions does not count toward it. Last evaluated 2025-05-21.

Conditions:
Multiple mitochondrial dysfunctions syndrome 6. Identifiers: Orphanet 569290, MedGen C4693741, MONDO:0054785, OMIM 617954.
Inborn genetic diseases. Identifiers: MedGen C0950123, MeSH D030342.
PMPCB-related disorder. Also called: PMPCB-related condition.

Allele frequency attached by ClinVar (database versions not stated): gnomAD exomes 0.00024; ExAC 0.00034; ESP Exome Variant Server 0.00085; gnomAD 0.00097 and 0.00101; TOPMed 0.00120; 1000 Genomes Project 30x 0.00219; 1000 Genomes Project 0.00220.
gnomAD v4.1: 285 of 1,610,738 alleles (0.018%); highest among the groups gnomAD compares: African/African-American, 0.32%; no homozygotes.

Submissions (4):

Labcorp Genetics (formerly Invitae), Labcorp
Classification: Likely benign. Last evaluated: 2025-05-21. Review status: criteria provided, single submitter. Criteria: Invitae Variant Classification Sherloc (09022015). Collection method: clinical testing. Allele origin: germline.

Ambry Genetics
Classification: Likely benign for Inborn genetic diseases. Last evaluated: 2025-05-20. Review status: criteria provided, single submitter. Criteria: Ambry Variant Classification Scheme 2023. Collection method: clinical testing. Allele origin: germline.

New York Genome Center
Classification: Uncertain significance for Multiple mitochondrial dysfunctions syndrome 6. Last evaluated: 2021-03-24. Review status: criteria provided, single submitter. Criteria: NYGC Assertion Criteria 2020. Collection method: clinical testing. Allele origin: germline. Observed: 1 variant allele. Study: CSER-NYCKidSeq.
Comment: The heterozygous c.1462C>T (p.Arg488Cys) missense variant identified in exon 13 (of 13) of the PMPCB gene has not been reported in affected individualsthe literature. The variant has 0.0009536 allele frequency in the gnomAD(v3) database (145 out of 152048 heterozygous alleles, no homozygotes) suggesting it is not a common benign variant in the populations represented in that database.The affected Arg488 is the second to the last residue of the PMPCB protein (a 489 amino acid protein) and is predicted “deleterious”by multiple in silico tools. Based on the available evidence, the heterozygous c.1462C>T (p.Arg488Cys) missense variant identified in the PMPCB gene is reported as a variant of uncertain significance.

PreventionGenetics, part of Exact Sciences
Classification: Likely benign for PMPCB-related condition. Last evaluated: 2022-07-06. Review status: no assertion criteria provided. Collection method: clinical testing. Allele origin: germline. Not counted in ClinVar's aggregate classification.
Comment: This variant is classified as likely benign based on ACMG/AMP sequence variant interpretation guidelines (Richards et al. 2015 PMID: 25741868, with internal and published modifications).